The following is an entry in ClinVar:

ClinVar aggregate classification (germline): Pathogenic (1 of 4 stars; one submission).

Conditions:
Duchenne muscular dystrophy (DMD). Also called: Duchenne Muscular Dystrophy (DMD); MUSCULAR DYSTROPHY, PSEUDOHYPERTROPHIC PROGRESSIVE, DUCHENNE TYPE. Identifiers: Orphanet 98896, MedGen C0013264, MONDO:0010679, OMIM 310200.

Submission:

Labcorp Genetics (formerly Invitae), Labcorp
Classification: Pathogenic for Duchenne muscular dystrophy. Last evaluated: 2019-10-03. Review status: criteria provided, single submitter. Criteria: Invitae Variant Classification Sherloc (09022015). Collection method: clinical testing. Allele origin: germline.
Comment: This variant has been observed in individuals affected with Becker or Duchenne muscular dystrophy (Invitae). This variant results in a copy number gain of the genomic region encompassing exons 4-6 of the DMD gene. While the exact position of this variant cannot be determined from this data, sub-genic copy number gains are generally in tandem (PMID: 25640679) and may result in an absent or disrupted protein product. Loss-of-function variants in DMD are known to be pathogenic (PMID: 16770791, 25007885). For these reasons, this variant has been classified as Pathogenic.

Literature cited by the submitters: PubMed 25640679; PubMed 16770791; PubMed 25007885.

NC_000023.11:g.(?_32816458)_(32844870_?)dup

Gene: DMD (dystrophin; minus strand). Cytogenetic location: Xp21.1.
Variant type: Duplication.
Identifiers: ClinVar variation 830715 (VCV000830715.8).